The following is an entry in ClinVar:

NM_014915.3(ANKRD26):c.-2C>G

Genes: ANKRD26 (ankyrin repeat domain containing 26; minus strand), LOC130003554 (ATAC-STARR-seq lymphoblastoid silent region 2243; plus strand). Cytogenetic location: 10p12.1.
Variant type: single nucleotide variant.
Coding change: c.-2C>G on transcript NM_014915.3 (MANE Select); 2 bases upstream of the start codon, C replaced by G.
Molecular consequence: 5 prime UTR variant.
Genome position (GRCh38, 1-based): chr10:27,100,328, G>C on the plus strand (C>G on the coding strand, the complement: ANKRD26 is on the minus strand). VCF-style: chr10-27100328-G-C. GRCh37 (hg19) VCF-style: chr10-27389257-G-C.
Other names: c.-2C>G (NM_001256053.2).
Identifiers: ClinVar variation 2578065 (VCV002578065.1), dbSNP rs373572737, ClinGen allele CA5449097.

ClinVar aggregate classification (germline): Uncertain significance (1 of 4 stars; one submission).

Allele frequency attached by ClinVar (database versions not stated): ExAC 0.00002; ESP Exome Variant Server 0.00008.
gnomAD v4.1: 8 of 1,606,568 alleles (0.0005%); highest among the groups gnomAD compares: African/African-American, 0.0053%; no homozygotes.

Submission:

GeneDx
Classification: Uncertain significance. Last evaluated: 2023-03-02. Review status: criteria provided, single submitter. Criteria: GeneDx Variant Classification Process June 2021. Collection method: clinical testing. Allele origin: germline. Affected: yes.
Comment: Not observed at significant frequency in large population cohorts (gnomAD); Nucleotide substitution has no predicted effect on splicing and is not conserved across species; Has not been previously published as pathogenic or benign to our knowledge